The following is an entry in ClinVar:

ClinVar aggregate classification (germline): Conflicting classifications of pathogenicity. Review status: criteria provided, conflicting classifications (1 of 4 stars). 4 submissions from 4 submitters: Uncertain significance (3); Benign (1). Last evaluated 2026-06-01.

Conditions:
Inborn genetic diseases. Identifiers: MedGen C0950123, MeSH D030342.
COL11A1-related disorder. Also called: COL11A1-related disorders; COL11A1-related condition.

Allele frequency attached by ClinVar (database versions not stated): TOPMed below 0.00001; ExAC 0.00002; gnomAD exomes 0.00002.
gnomAD v4.1: 12 of 1,612,660 alleles (0.00074%); highest among the groups gnomAD compares: East Asian, 0.011%; no homozygotes.

Submissions (4):

PreventionGenetics, part of Exact Sciences
Classification: Uncertain significance for COL11A1-related condition. Last evaluated: 2026-06-01. Review status: criteria provided, single submitter. Criteria: ACMG Guidelines, 2015. Collection method: clinical testing. Allele origin: germline.
Comment: The COL11A1 c.2039A>G variant is predicted to result in the amino acid substitution p.Asn680Ser. This variant has been reported in an individual with sensorineural hearing loss (Supplemental Table, Florentine et al. 2022. PubMed ID: 34515852). This variant is present in 0.016% of alleles in individuals of East Asian descent in gnomAD. At this time, the clinical significance of this variant is uncertain due to the absence of conclusive functional and genetic evidence.

Labcorp Genetics (formerly Invitae), Labcorp
Classification: Benign. Last evaluated: 2025-10-16. Review status: criteria provided, single submitter. Criteria: Invitae Variant Classification Sherloc (09022015). Collection method: clinical testing. Allele origin: germline.

Ambry Genetics
Classification: Uncertain significance for Inborn genetic diseases. Last evaluated: 2023-08-04. Review status: criteria provided, single submitter. Criteria: Ambry Variant Classification Scheme 2023. Collection method: clinical testing. Allele origin: germline.

GeneDx
Classification: Uncertain significance. Last evaluated: 2020-07-09. Review status: criteria provided, single submitter. Criteria: GeneDx Variant Classification Process June 2021. Collection method: clinical testing. Allele origin: germline. Affected: yes.
Comment: In silico analysis, which includes protein predictors and evolutionary conservation, supports a deleterious effect; Has not been previously published as pathogenic or benign to our knowledge

NM_001854.4(COL11A1):c.2039A>G (p.Asn680Ser)

Gene: COL11A1 (collagen type XI alpha 1 chain; minus strand). Cytogenetic location: 1p21.1.
Variant type: single nucleotide variant.
Coding change: c.2039A>G on transcript NM_001854.4 (MANE Select); coding-DNA position 2039, A replaced by G.
Protein change: p.Asn680Ser; replaces asparagine 680 with serine.
Molecular consequence: missense variant. On other transcripts: non-coding transcript variant (1).
Genome position (GRCh38, 1-based): chr1:103,002,751, T>C on the plus strand (A>G on the coding strand, the complement: COL11A1 is on the minus strand). VCF-style: chr1-103002751-T-C. GRCh37 (hg19) VCF-style: chr1-103468307-T-C.
Other names: c.1922A>G, p.Asn641Ser (NM_001190709.2); c.2075A>G, p.Asn692Ser (NM_080629.3); c.1691A>G, p.Asn564Ser (NM_080630.4); short protein forms N564S, N641S, N680S, N692S.
Identifiers: ClinVar variation 1210588 (VCV001210588.12), dbSNP rs375314757, ClinGen allele CA974658.
Genomic context (GRCh38, chr1:103,002,751, plus strand): 5'-GGTTTCTTAGGGCTTATATTCAAATATGAGTTATTTTATCACTATTTGCTACATACCATG[T>C]TCCCTTTTGGTCCTGGGGGGCCATCTACACCTGCCATACCCTGCAATGAAGAAAAAGTAT-3'
Protein context (NP_001845.3, residues 670-690): GVDGPPGPKG[Asn680Ser]MGPQGEPGPP